The following is an entry in ClinVar:

ClinVar aggregate classification (germline): Likely pathogenic (0 of 4 stars; one submission).

Conditions:
Ehlers-Danlos syndrome, type 4 (EDSVASC). Also called: Ehlers-Danlos syndrome vascular type; Ehlers Danlos syndrome, ecchymotic type; Ehlers Danlos syndrome, arterial type; Ehlers Danlos syndrome, Sack-Barabas type; Ehlers-Danlos Syndrome Type IV. Identifiers: Orphanet 286, MedGen C0268338, MONDO:0017314, OMIM 130050.

Submissions (2):

deCODE genetics, Amgen
Classification: Likely pathogenic for Ehlers-Danlos syndrome, type 4. Last evaluated: 2023-07-21. Review status: no assertion criteria provided. Collection method: research. Allele origin: germline. Affected: yes. Observed: 1 variant allele.
Comment: The variant NM_000090.4:c.1663-1G>T (chr2:188996397) in COL3A1 was detected in 1 heterozygote out of 58K WGS Icelanders (MAF= 0,001%). This variant has not been reported in ClinVar previously. Based on ACMG criteria (PVS1, PM2) this variant classifies as likely pathogenic.

Dr. Peter K. Rogan Lab, Western University
No classification provided (evidence only). Condition: Thyroid cancer, nonmedullary, 1. Review status: no classification provided. Collection method: in vitro. Allele origin: not applicable. Functional consequence: retained intron. Not counted in ClinVar's aggregate classification.

NM_000090.4(COL3A1):c.1663-1G>T

Gene: COL3A1 (collagen type III alpha 1 chain; plus strand). Cytogenetic location: 2q32.2.
Variant type: single nucleotide variant.
Coding change: c.1663-1G>T on transcript NM_000090.4 (MANE Select); the canonical splice acceptor site of the intron before coding-DNA position 1663, G replaced by T.
Molecular consequence: splice acceptor variant.
Genome position (GRCh38, 1-based): chr2:188,996,397, G>T. VCF-style: chr2-188996397-G-T. GRCh37 (hg19) VCF-style: chr2-189861123-G-T.
Other names: NC_000002.11:g.189861123G>T.
Identifiers: ClinVar variation 2574097 (VCV002574097.2), dbSNP rs749145939, ClinGen allele CA349852533.